The following is an entry in ClinVar:

ClinVar aggregate classification (germline): Likely benign. Review status: criteria provided, multiple submitters, no conflicts (2 of 4 stars). 2 submissions from 2 submitters: Likely benign (2). Last evaluated 2025-04-28.

Conditions:
MYOZ2-related disorder. Also called: MYOZ2-related condition.

Allele frequency attached by ClinVar (database versions not stated): TOPMed 0.00002; gnomAD 0.00006; 1000 Genomes Project 30x 0.00016; 1000 Genomes Project 0.00020.

Submissions (2):

PreventionGenetics, part of Exact Sciences
Classification: Likely benign for MYOZ2-related condition. Last evaluated: 2025-04-28. Review status: criteria provided, single submitter. Criteria: ACMG Guidelines, 2015. Collection method: clinical testing. Allele origin: germline.
Comment: This variant is classified as likely benign based on ACMG/AMP sequence variant interpretation guidelines (Richards et al. 2015 PMID: 25741868, with internal and published modifications).

GeneDx
Classification: Likely benign. Last evaluated: 2017-06-26. Review status: criteria provided, single submitter. Criteria: GeneDx Variant Classification (06012015). Collection method: clinical testing. Allele origin: germline. Affected: yes.
Comment: This variant is considered likely benign or benign based on one or more of the following criteria: it is a conservative change, it occurs at a poorly conserved position in the protein, it is predicted to be benign by multiple in silico algorithms, and/or has population frequency not consistent with disease.

NM_016599.5(MYOZ2):c.-41G>A

Gene: MYOZ2 (myozenin 2; plus strand). Cytogenetic location: 4q26.
Variant type: single nucleotide variant.
Coding change: c.-41G>A on transcript NM_016599.5 (MANE Select); 41 bases upstream of the start codon, G replaced by A.
Molecular consequence: 5 prime UTR variant.
Genome position (GRCh38, 1-based): chr4:119,135,956, G>A. VCF-style: chr4-119135956-G-A. GRCh37 (hg19) VCF-style: chr4-120057111-G-A.
Identifiers: ClinVar variation 389663 (VCV000389663.2), dbSNP rs532582620, ClinGen allele CA16604672.